The following is an entry in ClinVar:

NM_001289125.3(IFNAR2):c.884C>T (p.Pro295Leu)

Genes: IFNAR2 (interferon alpha and beta receptor subunit 2; plus strand), IFNAR2-IL10RB (IFNAR2-IL10RB readthrough; plus strand). Cytogenetic location: 21q22.11.
Variant type: single nucleotide variant.
Coding change: c.884C>T on transcript NM_001289125.3 (MANE Select); coding-DNA position 884, C replaced by T.
Protein change: p.Pro295Leu; replaces proline 295 with leucine.
Molecular consequence: missense variant. On other transcripts: 3 prime UTR variant (5).
Genome position (GRCh38, 1-based): chr21:33,262,836, C>T. VCF-style: chr21-33262836-C-T. GRCh37 (hg19) VCF-style: chr21-34635141-C-T.
Other names: c.*120C>T (NM_000874.5, NM_207584.3); c.*33C>T (NM_001289126.2, NM_001289128.2); c.*259C>T (NM_001385054.1); c.884C>T, p.Pro295Leu (NM_001385055.1, NM_207585.3); short protein forms P295L.
Identifiers: ClinVar variation 1365792 (VCV001365792.5), dbSNP rs759744926, ClinGen allele CA10005868.

ClinVar aggregate classification (germline): Uncertain significance (1 of 4 stars; one submission).

Allele frequency attached by ClinVar (database versions not stated): gnomAD 0.00004 and 0.00005; gnomAD exomes 0.00004 and 0.00009; TOPMed 0.00005; ExAC 0.00008.
gnomAD v4.1: 82 of 1,609,998 alleles (0.0051%); highest among the groups gnomAD compares: Middle Eastern, 0.066%; 2 homozygotes.

Submission:

Labcorp Genetics (formerly Invitae), Labcorp
Classification: Uncertain significance. Last evaluated: 2022-10-17. Review status: criteria provided, single submitter. Criteria: Invitae Variant Classification Sherloc (09022015). Collection method: clinical testing. Allele origin: germline.
Comment: This sequence change replaces proline, which is neutral and non-polar, with leucine, which is neutral and non-polar, at codon 295 of the IFNAR2 protein (p.Pro295Leu). This variant is present in population databases (rs759744926, gnomAD 0.06%). This variant has not been reported in the literature in individuals affected with IFNAR2-related conditions. ClinVar contains an entry for this variant (Variation ID: 1365792). Algorithms developed to predict the effect of missense changes on protein structure and function output the following: SIFT: "Tolerated"; PolyPhen-2: "Benign"; Align-GVGD: "Class C0". The leucine amino acid residue is found in multiple mammalian species, which suggests that this missense change does not adversely affect protein function. In summary, the available evidence is currently insufficient to determine the role of this variant in disease. Therefore, it has been classified as a Variant of Uncertain Significance.